The following is an entry in ClinVar:

ClinVar aggregate classification (germline): Uncertain significance (1 of 4 stars; one submission).

gnomAD v4.1: 2 of 1,613,198 alleles (0.00012%); highest among the groups gnomAD compares: Admixed American, 0.0033%; no homozygotes.

Submission:

Labcorp Genetics (formerly Invitae), Labcorp
Classification: Uncertain significance. Last evaluated: 2024-02-07. Review status: criteria provided, single submitter. Criteria: Invitae Variant Classification Sherloc (09022015). Collection method: clinical testing. Allele origin: germline.
Comment: This sequence change replaces phenylalanine, which is neutral and non-polar, with leucine, which is neutral and non-polar, at codon 676 of the TNS2 protein (p.Phe676Leu). This variant is present in population databases (no rsID available, gnomAD 0.003%). This variant has not been reported in the literature in individuals affected with TNS2-related conditions. An algorithm developed to predict the effect of missense changes on protein structure and function (PolyPhen-2) suggests that this variant is likely to be tolerated. In summary, the available evidence is currently insufficient to determine the role of this variant in disease. Therefore, it has been classified as a Variant of Uncertain Significance.

NM_170754.4(TNS2):c.1998T>A (p.Phe666Leu)

Gene: TNS2 (tensin 2; plus strand). Cytogenetic location: 12q13.13.
Variant type: single nucleotide variant.
Coding change: c.1998T>A on transcript NM_170754.4 (MANE Select); coding-DNA position 1998, T replaced by A.
Protein change: p.Phe666Leu; replaces phenylalanine 666 with leucine.
Molecular consequence: missense variant.
Genome position (GRCh38, 1-based): chr12:53,059,639, T>A. VCF-style: chr12-53059639-T-A. GRCh37 (hg19) VCF-style: chr12-53453423-T-A.
Other names: c.1998T>A, p.Phe666Leu (NM_001416202.1); c.1956T>A, p.Phe652Leu (NM_001416203.1); c.2025T>A, p.Phe675Leu (NM_001416204.1); c.1929T>A, p.Phe643Leu (NM_015319.3); c.1626T>A, p.Phe542Leu (NM_198316.2); short protein forms F643L, F675L, F542L, F666L, F652L.
Identifiers: ClinVar variation 3674441 (VCV003674441.2).